The following is an entry in ClinVar:

NM_000540.3(RYR1):c.3381+4G>C

Gene: RYR1 (ryanodine receptor 1; plus strand). Cytogenetic location: 19q13.2.
Variant type: single nucleotide variant.
Coding change: c.3381+4G>C on transcript NM_000540.3 (MANE Select); 4 bases into the intron after coding-DNA position 3381, G replaced by C.
Molecular consequence: intron variant.
Genome position (GRCh38, 1-based): chr19:38,467,816, G>C. VCF-style: chr19-38467816-G-C. GRCh37 (hg19) VCF-style: chr19-38958456-G-C.
Other names: c.3381+4G>C (NM_001042723.2).
Identifiers: ClinVar variation 3387680 (VCV003387680.1).

ClinVar aggregate classification (germline): Uncertain significance (1 of 4 stars; one submission).

Conditions:
Malignant hyperthermia, susceptibility to, 1 (MHS1). Also called: Anesthesia related hyperthermia; Malignant hyperpyrexia; Fulminating hyperpyrexia; Pharmacogenic myopathy; RYR1-Related Malignant Hyperthermia Susceptibility; Malignant hyperthermia suceptibility 1. Identifiers: Orphanet 423, MedGen C2930980, MONDO:0007783, OMIM 145600.

Submission:

All of Us Research Program, National Institutes of Health
Classification: Uncertain significance for Malignant hyperthermia, susceptibility to, 1. Last evaluated: 2024-07-10. Review status: criteria provided, single submitter. Criteria: ACMG Guidelines, 2015. Collection method: clinical testing. Allele origin: germline. Inheritance: Autosomal dominant inheritance. Observed: 1 variant allele, 1 heterozygote.
Comment: This variant causes a G to C nucleotide substitution at the +4 position of intron 25/105 of the RYR1 gene. To our knowledge, functional studies have not been reported for this variant. This variant has not been reported in individuals affected with RYR1-related disorders in the literature. This variant has not been identified in the general population by the Genome Aggregation Database (gnomAD). The available evidence is insufficient to determine the role of this variant in disease conclusively. Therefore, this variant is classified as a Variant of Uncertain Significance.

This study involves interpretation of variants in research participants for the purpose of population health screening. Participant phenotype was not available at the time of variant classification. Additional details can be found in publication PMID: 35346344, PMCID: PMC8962531